The following is an entry in ClinVar:

ClinVar aggregate classification (germline): Pathogenic/Likely pathogenic. Review status: criteria provided, multiple submitters, no conflicts (2 of 4 stars). 3 submissions from 3 submitters: Pathogenic (1); Likely pathogenic (2). Last evaluated 2025-04-21.

Conditions:
Lysosomal acid lipase deficiency. Also called: Acid cholesteryl ester hydrolase deficiency, type 2. Identifiers: Orphanet 275761, MedGen C5574740, MONDO:0800449, MONDO:0010204.
Wolman disease (WOLD). Also called: LYSOSOMAL ACID LIPASE DEFICIENCY, ACUTE INFANTILE; LYSOSOMAL ACID LIPASE DEFICIENCY, COMPLETE; LIPA DEFICIENCY, COMPLETE; LAL DEFICIENCY, COMPLETE; CHOLESTEROL ESTER HYDROLASE DEFICIENCY, COMPLETE; Infantile-Onset LAL-D (Wolman Disease). Identifiers: Orphanet 75233, MedGen C0043208, MONDO:0019148, OMIM 620151.

Submissions (3):

Natera, Inc.
Classification: Likely pathogenic for Lysosomal acid lipase deficiency. Last evaluated: 2025-04-21. Review status: criteria provided, single submitter. Criteria: Natera Variant Classification Schema (03/2026). Collection method: clinical testing. Allele origin: germline.
Comment: The c.1067T>G variant in LIPA is a nonsense variant predicted to introduce a stop codon at amino acid 356. This variant is expected to result in nonsense mediated decay, truncation, or a dysfunctional protein product. This variant is rare in the general population with a frequency below the threshold expected for the associated phenotype(s). This variant has been observed in one or more individuals affected with the associated recessive disease, as either homozygous or compound heterozygous with a second variant (PMID: 25852113). Additionally, this variant has been observed to segregate in affected family members (PMID: 25852113). Given the available evidence, this variant is classified as Likely Pathogenic.

3billion
Classification: Likely pathogenic for Wolman disease. Last evaluated: 2023-09-14. Review status: criteria provided, single submitter. Criteria: ACMG Guidelines, 2015. Collection method: clinical testing. Allele origin: germline. Affected: yes.
Comment: The variant is not observed in the gnomAD v2.1.1 dataset. Predicted Consequence/Location: Stop-gained (nonsense): predicted to result in a loss or disruption of normal protein function through protein truncation. The predicted truncated protein may be shortened by more than 10%. The variant has been reported to be associated with LIPA related disorder (ClinVar ID: VCV001070183 /PMID: 25852113). Therefore, this variant is classified as Likely pathogenic according to the recommendation of ACMG/AMP guideline.

Labcorp Genetics (formerly Invitae), Labcorp
Classification: Pathogenic for Wolman disease. Last evaluated: 2022-09-12. Review status: criteria provided, single submitter. Criteria: Invitae Variant Classification Sherloc (09022015). Collection method: clinical testing. Allele origin: germline.
Comment: ClinVar contains an entry for this variant (Variation ID: 1070183). This variant is also known as T1107G. This premature translational stop signal has been observed in individual(s) with LIPA-related conditions (PMID: 25852113). It has also been observed to segregate with disease in related individuals. This variant is not present in population databases (gnomAD no frequency). This sequence change creates a premature translational stop signal (p.Leu356*) in the LIPA gene. While this is not anticipated to result in nonsense mediated decay, it is expected to disrupt the last 44 amino acid(s) of the LIPA protein. For these reasons, this variant has been classified as Pathogenic. This variant disrupts the p.Leu357 amino acid residue in LIPA. Other variant(s) that disrupt this residue have been determined to be pathogenic (PMID: 7499245, 7773732, 31131398, 31180157). This suggests that this residue is clinically significant, and that variants that disrupt this residue are likely to be disease-causing.

Literature cited by the submitters: PubMed 25852113 (cited by 3 submitters); PubMed 7499245 (cited by Labcorp Genetics (formerly Invitae), Labcorp); PubMed 7773732 (cited by Labcorp Genetics (formerly Invitae), Labcorp); PubMed 31131398 (cited by Labcorp Genetics (formerly Invitae), Labcorp); PubMed 31180157 (cited by Labcorp Genetics (formerly Invitae), Labcorp).

NM_000235.4(LIPA):c.1067T>G (p.Leu356Ter)

Gene: LIPA (lipase A, lysosomal acid type; minus strand). Cytogenetic location: 10q23.31.
Variant type: single nucleotide variant.
Coding change: c.1067T>G on transcript NM_000235.4 (MANE Select); coding-DNA position 1067, T replaced by G.
Protein change: p.Leu356Ter; replaces leucine 356 with a stop codon.
Molecular consequence: nonsense.
Genome position (GRCh38, 1-based): chr10:89,214,961, A>C on the plus strand (T>G on the coding strand, the complement: LIPA is on the minus strand). VCF-style: chr10-89214961-A-C. GRCh37 (hg19) VCF-style: chr10-90974718-A-C.
Other names: c.1067T>G, p.Leu356Ter (NM_001127605.3); c.719T>G, p.Leu240Ter (NM_001288979.2); c.1067T>G (NM_000235.3); short protein forms L240*, L356*.
Identifiers: ClinVar variation 1070183 (VCV001070183.12), dbSNP rs2133411704, ClinGen allele CA377516216.